The following is an entry in ClinVar:

NM_007294.4(BRCA1):c.4186-3572GT[22]

Gene: BRCA1 (BRCA1 DNA repair associated; minus strand). Cytogenetic location: 17q21.31.
Variant type: Microsatellite.
Coding change: c.4186-3572GT[22] on transcript NM_007294.4 (MANE Select); 22 copies in a row of the 2-base unit GT starting at c.4186-3572; the reference has 19 copies in a row; three copies, 6 bases duplicated.
Molecular consequence: intron variant.
Genome position (GRCh38, 1-based): chr17:43,086,110-43,086,115, ACACAC duplicated on the plus strand (GTGTGT on the coding strand, the reverse complement: BRCA1 is on the minus strand); duplicating any 6 consecutive bases within chr17:43,086,110-43,086,148 gives the same sequence; the position shown is the placement nearest the transcript's 3' end. VCF-style (leftmost placement, unchanged base first): chr17-43086109-T-TACACAC. GRCh37 (hg19) VCF-style: chr17-41238126-T-TACACAC.
Other names: c.4186-3540_4186-3535dup (NM_007294.3); c.736-3572GT[22] (NM_001408458.1, NM_001408453.1, NM_001408461.1 and 8 more transcripts); c.3298-3572GT[22] (NM_001407967.1, NM_001407966.1); c.3805-3572GT[22] (NM_001407959.1, NM_001407960.1); c.3919-3572GT[22] (NM_001407931.1, NM_001407932.1, NM_001407936.1 and 1 more transcripts); c.4042-3572GT[22] (NM_001407747.1, NM_001407839.1, NM_001407745.1 and 17 more transcripts); c.3802-3572GT[22] (NM_001407962.1); c.373-3572GT[22] (NM_001408512.1); and 65 more.
Identifiers: ClinVar variation 264775 (VCV000264775.2), dbSNP rs376686434, ClinGen allele CA10588221.

ClinVar aggregate classification (germline): Benign (3 of 4 stars; one submission).

Conditions:
Breast-ovarian cancer, familial, susceptibility to, 1 (BROVCA1). Also called: BRCA1 Hereditary Breast and Ovarian Cancer; OVARIAN CANCER, SUSCEPTIBILITY TO. Identifiers: Orphanet 145, MedGen C2676676, MONDO:0011450, OMIM 604370. Disease mechanism: loss of function.

Submission:

Evidence-based Network for the Interpretation of Germline Mutant Alleles (ENIGMA)
Classification: Benign for Breast-ovarian cancer, familial, susceptibility to, 1. Last evaluated: 2016-09-28. Review status: reviewed by expert panel. Criteria: ENIGMA BRCA1/2 Classification Criteria (2015). Collection method: curation. Allele origin: germline.
Comment: Class 1 not pathogenic based on frequency >1% in an outbred sampleset. Frequency 0.0895 (European), 0.115 (African), 0.1182 (Admixed American/Latino), 0.1151 (East Asian), 0.1687 (South Asian), derived from 1000 genomes (2013-05-02).